The following is an entry in ClinVar:

NM_004870.4(MPDU1):c.66C>G (p.Cys22Trp)

Genes: MPDU1-AS1 (MPDU1 antisense RNA 1; minus strand), MPDU1 (mannose-P-dolichol utilization defect 1; plus strand). Cytogenetic location: 17p13.1.
Variant type: single nucleotide variant.
Coding change: c.66C>G on transcript NM_004870.4 (MANE Select); coding-DNA position 66, C replaced by G.
Protein change: p.Cys22Trp; replaces cysteine 22 with tryptophan.
Molecular consequence: missense variant. On other transcripts: non-coding transcript variant (3).
Genome position (GRCh38, 1-based): chr17:7,583,928, C>G. VCF-style: chr17-7583928-C-G. GRCh37 (hg19) VCF-style: chr17-7487246-C-G.
Other names: c.66C>G, p.Cys22Trp (NM_001330073.1); short protein forms C22W.
Identifiers: ClinVar variation 1034127 (VCV001034127.1), dbSNP rs1388629959, ClinGen allele CA397835142.

ClinVar aggregate classification (germline): Uncertain significance (1 of 4 stars; one submission).

Conditions:
MPDU1-congenital disorder of glycosylation. Also called: MPDU1-CDG; CONGENITAL DISORDER OF GLYCOSYLATION, TYPE If; CDG If. Identifiers: Orphanet 79323, MedGen C1836669, MONDO:0012211, OMIM 609180.

gnomAD v4.1: 4 of 1,614,238 alleles (0.00025%); highest among the groups gnomAD compares: Non-Finnish European, 0.00034%; no homozygotes.

Submission:

Baylor Genetics
Classification: Uncertain significance for MPDU1-congenital disorder of glycosylation. Last evaluated: 2018-10-28. Review status: criteria provided, single submitter. Criteria: ACMG Guidelines, 2015. Collection method: clinical testing. Allele origin: paternal. Affected: yes.
Comment: This variant was determined to be of uncertain significance according to ACMG Guidelines, 2015 [PMID:25741868].